The following is an entry in ClinVar:

NM_004655.4(AXIN2):c.836C>T (p.Pro279Leu)

Gene: AXIN2 (axin 2; minus strand). Cytogenetic location: 17q24.1.
Variant type: single nucleotide variant.
Coding change: c.836C>T on transcript NM_004655.4 (MANE Select); coding-DNA position 836, C replaced by T.
Protein change: p.Pro279Leu; replaces proline 279 with leucine.
Molecular consequence: missense variant.
Genome position (GRCh38, 1-based): chr17:65,549,640, G>A on the plus strand (C>T on the coding strand, the complement: AXIN2 is on the minus strand). VCF-style: chr17-65549640-G-A. GRCh37 (hg19) VCF-style: chr17-63545758-G-A.
Other names: c.836C>T (LRG_296t1); c.836C>T, p.Pro279Leu (NM_001363813.1); short protein forms P279L.
Identifiers: ClinVar variation 533216 (VCV000533216.9), dbSNP rs768915721, ClinGen allele CA8718964.
Genomic context (GRCh38, chr17:65,549,640, plus strand): 5'-TCGTTGGCGCTGGTGGCTGGTGCAAAGACATAGCCAGAACCTATGTGATAAGGATTAACA[G>A]GATCGCTCCTCTTGAAGGACCTATGGGCAAAGTACAAAAGTGGTTCAGTCACTGACCCTC-3'
Protein context (NP_004646.3, residues 269-289): SGYRSFKRSD[Pro279Leu]VNPYHIGSGY

ClinVar aggregate classification (germline): Uncertain significance. Review status: criteria provided, multiple submitters, no conflicts (2 of 4 stars). 2 submissions from 2 submitters: Uncertain significance (2). Last evaluated 2024-01-21.

Conditions:
Hereditary cancer-predisposing syndrome. Also called: Hereditary neoplastic syndrome; Neoplastic Syndromes, Hereditary; Tumor predisposition; Hereditary Cancer Syndrome. Identifiers: Orphanet 140162, MedGen C0027672, MeSH D009386, MONDO:0015356.
Oligodontia-cancer predisposition syndrome. Also called: TOOTH AGENESIS-COLORECTAL CANCER SYNDROME. Identifiers: Orphanet 300576, MedGen C1837750, MONDO:0012075, OMIM 608615. Disease mechanism: loss of function.

Allele frequency attached by ClinVar (database versions not stated): gnomAD exomes below 0.00001; TOPMed below 0.00001; ExAC 0.00002.
gnomAD v4.1: 5 of 1,602,578 alleles (0.00031%); highest among the groups gnomAD compares: South Asian, 0.0045%; no homozygotes.

Submissions (2):

Ambry Genetics
Classification: Uncertain significance for Hereditary cancer-predisposing syndrome. Last evaluated: 2024-01-21. Review status: criteria provided, single submitter. Criteria: Ambry Variant Classification Scheme 2023. Collection method: clinical testing. Allele origin: germline.
Comment: The p.P279L variant (also known as c.836C>T), located in coding exon 2 of the AXIN2 gene, results from a C to T substitution at nucleotide position 836. The proline at codon 279 is replaced by leucine, an amino acid with similar properties. This amino acid position is conserved. In addition, the in silico prediction for this alteration is inconclusive. Based on the available evidence, the clinical significance of this alteration remains unclear.

Labcorp Genetics (formerly Invitae), Labcorp
Classification: Uncertain significance for Oligodontia-cancer predisposition syndrome. Last evaluated: 2017-08-16. Review status: criteria provided, single submitter. Criteria: Invitae Variant Classification Sherloc (09022015). Collection method: clinical testing. Allele origin: germline.
Comment: In summary, the available evidence is currently insufficient to determine the role of this variant in disease. Therefore, it has been classified as a Variant of Uncertain Significance. Algorithms developed to predict the effect of missense changes on protein structure and function (SIFT, PolyPhen-2, Align-GVGD) all suggest that this variant is likely to be disruptive, but these predictions have not been confirmed by published functional studies and their clinical significance is uncertain. This variant has not been reported in the literature in individuals with AXIN2-related disease. This variant is present in population databases (rs768915721, ExAC 0.009%). This sequence change replaces proline with leucine at codon 279 of the AXIN2 protein (p.Pro279Leu). The proline residue is highly conserved and there is a moderate physicochemical difference between proline and leucine.